The following is an entry in ClinVar:

ClinVar aggregate classification (germline): Uncertain significance (1 of 4 stars; one submission).

Submission:

Labcorp Genetics (formerly Invitae), Labcorp
Classification: Uncertain significance. Last evaluated: 2022-10-13. Review status: criteria provided, single submitter. Criteria: Invitae Variant Classification Sherloc (09022015). Collection method: clinical testing. Allele origin: germline.
Comment: This variant is not present in population databases (gnomAD no frequency). This sequence change replaces isoleucine, which is neutral and non-polar, with threonine, which is neutral and polar, at codon 567 of the SLC25A12 protein (p.Ile567Thr). This variant has not been reported in the literature in individuals affected with SLC25A12-related conditions. ClinVar contains an entry for this variant (Variation ID: 1045307). Algorithms developed to predict the effect of missense changes on protein structure and function (SIFT, PolyPhen-2, Align-GVGD) all suggest that this variant is likely to be disruptive. In summary, the available evidence is currently insufficient to determine the role of this variant in disease. Therefore, it has been classified as a Variant of Uncertain Significance.

NM_003705.5(SLC25A12):c.1700T>C (p.Ile567Thr)

Gene: SLC25A12 (solute carrier family 25 member 12; minus strand). Cytogenetic location: 2q31.1.
Variant type: single nucleotide variant.
Coding change: c.1700T>C on transcript NM_003705.5 (MANE Select); coding-DNA position 1700, T replaced by C.
Protein change: p.Ile567Thr; replaces isoleucine 567 with threonine.
Molecular consequence: missense variant. On other transcripts: non-coding transcript variant (1).
Genome position (GRCh38, 1-based): chr2:171,787,833, A>G on the plus strand (T>C on the coding strand, the complement: SLC25A12 is on the minus strand). VCF-style: chr2-171787833-A-G. GRCh37 (hg19) VCF-style: chr2-172644343-A-G.
Other names: short protein forms I567T.
Identifiers: ClinVar variation 1045307 (VCV001045307.8), dbSNP rs1690517077, ClinGen allele CA349287800.